The following is an entry in ClinVar:

ClinVar aggregate classification (germline): Uncertain significance. Review status: criteria provided, multiple submitters, no conflicts (2 of 4 stars). 2 submissions from 2 submitters: Uncertain significance (2). Last evaluated 2025-11-07.

Conditions:
RPL18-related disorder. Also called: RPL18-related condition.

Allele frequency attached by ClinVar (database versions not stated): ESP Exome Variant Server 0.00008; 1000 Genomes Project 30x 0.00062; 1000 Genomes Project 0.00080.
gnomAD v4.1: 69 of 1,614,180 alleles (0.0043%); highest among the groups gnomAD compares: African/African-American, 0.037%; no homozygotes.

Submissions (2):

PreventionGenetics, part of Exact Sciences
Classification: Uncertain significance for RPL18-related condition. Last evaluated: 2025-11-07. Review status: criteria provided, single submitter. Criteria: ACMG Guidelines, 2015. Collection method: clinical testing. Allele origin: germline.
Comment: The RPL18 c.369C>G variant is predicted to result in the amino acid substitution p.Phe123Leu. To our knowledge, this variant has not been reported in the literature. This variant is reported in 0.028% of alleles in individuals of African descent in gnomAD, which may be too common to be causative. It is interpreted as variant of uncertain significance in ClinVar (Variation ID: 2754104). Although we suspect that this variant may be benign, at this time, the clinical significance of this variant is uncertain due to the absence of conclusive functional and genetic evidence.

Labcorp Genetics (formerly Invitae), Labcorp
Classification: Uncertain significance. Last evaluated: 2024-04-15. Review status: criteria provided, single submitter. Criteria: Invitae Variant Classification Sherloc (09022015). Collection method: clinical testing. Allele origin: germline.
Comment: This sequence change replaces phenylalanine, which is neutral and non-polar, with leucine, which is neutral and non-polar, at codon 123 of the RPL18 protein (p.Phe123Leu). This variant is present in population databases (rs138053229, gnomAD 0.03%). This variant has not been reported in the literature in individuals affected with RPL18-related conditions. An algorithm developed to predict the effect of missense changes on protein structure and function (PolyPhen-2) suggests that this variant is likely to be tolerated. In summary, the available evidence is currently insufficient to determine the role of this variant in disease. Therefore, it has been classified as a Variant of Uncertain Significance.

NM_000979.4(RPL18):c.369C>G (p.Phe123Leu)

Gene: RPL18 (ribosomal protein L18; minus strand). Cytogenetic location: 19q13.33.
Variant type: single nucleotide variant.
Coding change: c.369C>G on transcript NM_000979.4 (MANE Select); coding-DNA position 369, C replaced by G.
Protein change: p.Phe123Leu; replaces phenylalanine 123 with leucine.
Molecular consequence: missense variant. On other transcripts: non-coding transcript variant (1).
Genome position (GRCh38, 1-based): chr19:48,616,131, G>C on the plus strand (C>G on the coding strand, the complement: RPL18 is on the minus strand). VCF-style: chr19-48616131-G-C. GRCh37 (hg19) VCF-style: chr19-49119388-G-C.
Other names: c.282C>G, p.Phe94Leu (NM_001270490.2); c.369C>G (NM_000979.3); short protein forms F123L, F94L.
Identifiers: ClinVar variation 2754104 (VCV002754104.5), dbSNP rs138053229, ClinGen allele CA9554043.